The following is an entry in ClinVar:

NM_017617.5(NOTCH1):c.763_773del (p.Glu255fs)

Gene: NOTCH1 (notch receptor 1; minus strand). Cytogenetic location: 9q34.3.
Variant type: Deletion.
Coding change: c.763_773del on transcript NM_017617.5 (MANE Select); coding-DNA positions 763 to 773, 11 bases deleted (GAGGAAAATAT).
Protein change: p.Glu255fs; shifts the reading frame from glutamic acid 255.
Molecular consequence: frameshift variant.
Genome position (GRCh38, 1-based): chr9:136,519,535-136,519,545, ATATTTTCCTC deleted on the plus strand (GAGGAAAATAT on the coding strand, the reverse complement: NOTCH1 is on the minus strand); deleting any 11 consecutive bases within chr9:136,519,535-136,519,546 gives the same sequence; the c. name uses the placement nearest the transcript's 3' end. VCF-style (leftmost placement, unchanged base first): chr9-136519534-GATATTTTCCTC-G. GRCh37 (hg19) VCF-style: chr9-139413986-GATATTTTCCTC-G.
Other names: short protein forms E255fs.
Identifiers: ClinVar variation 1453811 (VCV001453811.1), dbSNP rs2133372831, ClinGen allele CA2573144392.

ClinVar aggregate classification (germline): Pathogenic (1 of 4 stars; one submission).

Conditions:
Adams-Oliver syndrome 5 (AOS5). Identifiers: Orphanet 974, MedGen C4014970, MONDO:0014459, OMIM 616028.

Submission:

Labcorp Genetics (formerly Invitae), Labcorp
Classification: Pathogenic for Adams-Oliver syndrome 5. Last evaluated: 2021-04-02. Review status: criteria provided, single submitter. Criteria: Invitae Variant Classification Sherloc (09022015). Collection method: clinical testing. Allele origin: germline.
Comment: This sequence change creates a premature translational stop signal (p.Glu255Argfs*72) in the NOTCH1 gene. It is expected to result in an absent or disrupted protein product. Loss-of-function variants in NOTCH1 are known to be pathogenic (PMID: 16025100, 21457232, 25132448, 25963545). This variant is not present in population databases (ExAC no frequency). This variant has not been reported in the literature in individuals with NOTCH1-related conditions. For these reasons, this variant has been classified as Pathogenic.

Literature cited by the submitters: PubMed 16025100; PubMed 21457232; PubMed 25132448; PubMed 25963545.